The following is an entry in ClinVar:

ClinVar aggregate classification (germline): Uncertain significance (1 of 4 stars; one submission).

Conditions:
Fetal akinesia deformation sequence 1 (FADS1). Also called: Fetal akinesia sequence; Pena-Shokeir syndrome type I. Identifiers: Orphanet 994, MedGen C1276035, MONDO:0100101, OMIM 208150, HP:0001989.
Congenital myasthenic syndrome 9. Also called: Myasthenic syndrome, congenital, 9, associated with acetylcholine receptor deficiency. Identifiers: Orphanet 590, MedGen C4225368, MONDO:0014587, OMIM 616325.

gnomAD v4.1: 3 of 1,582,724 alleles (0.00019%); highest among the groups gnomAD compares: Non-Finnish European, 0.00026%; no homozygotes.

Submission:

Labcorp Genetics (formerly Invitae), Labcorp
Classification: Uncertain significance for Congenital myasthenic syndrome 9; Fetal akinesia deformation sequence 1. Last evaluated: 2022-08-31. Review status: criteria provided, single submitter. Criteria: Invitae Variant Classification Sherloc (09022015). Collection method: clinical testing. Allele origin: germline.
Comment: In summary, the available evidence is currently insufficient to determine the role of this variant in disease. Therefore, it has been classified as a Variant of Uncertain Significance. Advanced modeling of protein sequence and biophysical properties (such as structural, functional, and spatial information, amino acid conservation, physicochemical variation, residue mobility, and thermodynamic stability) performed at Invitae indicates that this missense variant is expected to disrupt MUSK protein function. ClinVar contains an entry for this variant (Variation ID: 941806). This variant has not been reported in the literature in individuals affected with MUSK-related conditions. This variant is not present in population databases (gnomAD no frequency). This sequence change replaces leucine, which is neutral and non-polar, with proline, which is neutral and non-polar, at codon 834 of the MUSK protein (p.Leu834Pro).

NM_005592.4(MUSK):c.2501T>C (p.Leu834Pro)

Gene: MUSK (muscle associated receptor tyrosine kinase; plus strand). Cytogenetic location: 9q31.3.
Variant type: single nucleotide variant.
Coding change: c.2501T>C on transcript NM_005592.4 (MANE Select); coding-DNA position 2501, T replaced by C.
Protein change: p.Leu834Pro; replaces leucine 834 with proline.
Molecular consequence: missense variant.
Genome position (GRCh38, 1-based): chr9:110,800,879, T>C. VCF-style: chr9-110800879-T-C. GRCh37 (hg19) VCF-style: chr9-113563159-T-C.
Other names: c.2243T>C, p.Leu748Pro (NM_001166280.2); c.2213T>C, p.Leu738Pro (NM_001166281.2); c.1241T>C, p.Leu414Pro (NM_001369398.1); short protein forms L834P, L414P, L738P, L748P.
Identifiers: ClinVar variation 941806 (VCV000941806.10), dbSNP rs2078086619, ClinGen allele CA374479983.